The following is an entry in ClinVar:

NM_001046.3(SLC12A2):c.2636T>C (p.Met879Thr)

Gene: SLC12A2 (solute carrier family 12 member 2; plus strand). Cytogenetic location: 5q23.3.
Variant type: single nucleotide variant.
Coding change: c.2636T>C on transcript NM_001046.3 (MANE Select); coding-DNA position 2636, T replaced by C.
Protein change: p.Met879Thr; replaces methionine 879 with threonine.
Molecular consequence: missense variant. On other transcripts: non-coding transcript variant (1).
Genome position (GRCh38, 1-based): chr5:128,167,780, T>C. VCF-style: chr5-128167780-T-C. GRCh37 (hg19) VCF-style: chr5-127503472-T-C.
Other names: c.2636T>C, p.Met879Thr (NM_001256461.2); short protein forms M879T.
Identifiers: ClinVar variation 2791001 (VCV002791001.3), dbSNP rs2479456766, ClinGen allele CA360752214.

ClinVar aggregate classification (germline): Uncertain significance (1 of 4 stars; one submission).

Submission:

Labcorp Genetics (formerly Invitae), Labcorp
Classification: Uncertain significance. Last evaluated: 2024-08-21. Review status: criteria provided, single submitter. Criteria: Invitae Variant Classification Sherloc (09022015). Collection method: clinical testing. Allele origin: germline.
Comment: This sequence change replaces methionine, which is neutral and non-polar, with threonine, which is neutral and polar, at codon 879 of the SLC12A2 protein (p.Met879Thr). This variant is not present in population databases (gnomAD no frequency). This variant has not been reported in the literature in individuals affected with SLC12A2-related conditions. Invitae Evidence Modeling of protein sequence and biophysical properties (such as structural, functional, and spatial information, amino acid conservation, physicochemical variation, residue mobility, and thermodynamic stability) indicates that this missense variant is not expected to disrupt SLC12A2 protein function with a negative predictive value of 80%. In summary, the available evidence is currently insufficient to determine the role of this variant in disease. Therefore, it has been classified as a Variant of Uncertain Significance.